The following is an entry in ClinVar:

ClinVar aggregate classification (germline): Benign (1 of 4 stars; one submission).

Conditions:
Xeroderma pigmentosum variant type. Also called: POLH-Related Xeroderma Pigmentosum; PHOTOSENSITIVITY WITH DEFECTIVE DNA SYNTHESIS; XERODERMA PIGMENTOSUM WITH NORMAL DNA REPAIR RATES. Identifiers: Orphanet 90342, MedGen C1848410, MONDO:0010214, OMIM 278750.

Allele frequency attached by ClinVar (database versions not stated): gnomAD exomes 0.01717; gnomAD 0.01766 and 0.01849; 1000 Genomes Project 0.01837; 1000 Genomes Project 30x 0.01874.
gnomAD v4.1: 2,808 of 152,164 alleles (1.8%); highest among the groups gnomAD compares: South Asian, 4.2%; 33 homozygotes.

Submission:

Illumina Laboratory Services, Illumina
Classification: Benign for Xeroderma pigmentosum variant type. Last evaluated: 2018-01-12. Review status: criteria provided, single submitter. Criteria: ICSL Variant Classification Criteria 13 December 2019. Collection method: clinical testing. Allele origin: germline.
Comment: This variant was observed in the ICSL laboratory as part of a predisposition screen in an ostensibly healthy population. It had not been previously curated by ICSL or reported in the Human Gene Mutation Database (HGMD: prior to June 1st, 2018), and was therefore a candidate for classification through an automated scoring system. Utilizing variant allele frequency, disease prevalence and penetrance estimates, and inheritance mode, an automated score was calculated to assess if this variant is too frequent to cause the disease. Based on the score and internal cut-off values, a variant classified as benign is not then subjected to further curation. The score for this variant resulted in a classification of benign for this disease.

NM_006502.3(POLH):c.*693C>T

Gene: POLH (DNA polymerase eta; plus strand). Cytogenetic location: 6p21.1.
Variant type: single nucleotide variant.
Coding change: c.*693C>T on transcript NM_006502.3 (MANE Select); 693 bases downstream of the stop codon, C replaced by T.
Molecular consequence: 3 prime UTR variant.
Genome position (GRCh38, 1-based): chr6:43,615,250, C>T. VCF-style: chr6-43615250-C-T. GRCh37 (hg19) VCF-style: chr6-43582987-C-T.
Other names: c.*693C>T (NM_001291969.2); c.*1519C>T (NM_001291970.2).
Identifiers: ClinVar variation 356923 (VCV000356923.7), dbSNP rs9333558, ClinGen allele CA10626793.